The following is an entry in ClinVar:

ClinVar aggregate classification (germline): Likely benign (1 of 4 stars; one submission).

gnomAD v4.1: 174 of 1,605,792 alleles (0.011%); highest among the groups gnomAD compares: Admixed American, 0.049%; no homozygotes.

Submission:

CeGaT Center for Human Genetics Tuebingen
Classification: Likely benign. Last evaluated: 2025-10-01. Review status: criteria provided, single submitter. Criteria: CeGaT Center For Human Genetics Tuebingen Variant Classification Criteria Version 2. Collection method: clinical testing. Allele origin: germline. Affected: yes. Observed: 1 variant allele.
Comment: OXR1: BP4, BP7

NM_001198533.2(OXR1):c.2592C>T (p.Ile864=)

Gene: OXR1 (oxidation resistance 1; plus strand). Cytogenetic location: 8q23.1.
Variant type: single nucleotide variant.
Coding change: c.2592C>T on transcript NM_001198533.2 (MANE Select); coding-DNA position 2592, C replaced by T.
Protein change: p.Ile864=; no amino-acid change (isoleucine 864 retained).
Molecular consequence: synonymous variant.
Genome position (GRCh38, 1-based): chr8:106,750,911, C>T. VCF-style: chr8-106750911-C-T. GRCh37 (hg19) VCF-style: chr8-107763139-C-T.
Other names: c.2595C>T, p.Ile865= (NM_001198532.1); c.702C>T, p.Ile234= (NM_001198534.1); c.621C>T, p.Ile207= (NM_001198535.1); c.2511C>T, p.Ile837= (NM_018002.3); c.2490C>T, p.Ile830= (NM_181354.4).
Identifiers: ClinVar variation 4533823 (VCV004533823.6).